The following is an entry in ClinVar:

ClinVar aggregate classification (germline): Pathogenic/Likely pathogenic. Review status: criteria provided, multiple submitters, no conflicts (2 of 4 stars). 3 submissions from 3 submitters: Pathogenic (1); Likely pathogenic (2). Last evaluated 2026-02-10.

Conditions:
SP110-related disorder. Also called: SP110-related condition.
Mycobacterium tuberculosis, susceptibility to. Identifiers: MedGen C1834752, OMIM 607948.
Hepatic veno-occlusive disease-immunodeficiency syndrome. Also called: Hepatic Veno-Occlusive Disease with Immunodeficiency. Identifiers: Orphanet 79124, MedGen C1856128, MONDO:0009338, OMIM 235550. Disease mechanism: loss of function.

Allele frequency attached by ClinVar (database versions not stated): gnomAD 0.00002; TOPMed 0.00003.
gnomAD v4.1: 9 of 1,608,684 alleles (0.00056%); highest among the groups gnomAD compares: Non-Finnish European, 0.00051%; no homozygotes.

Submissions (3):

PreventionGenetics, part of Exact Sciences
Classification: Likely pathogenic for SP110-related condition. Last evaluated: 2026-02-10. Review status: criteria provided, single submitter. Criteria: ACMG Guidelines, 2015. Collection method: clinical testing. Allele origin: germline.
Comment: The SP110 c.1342C>T variant is predicted to result in premature protein termination (p.Arg448*). To our knowledge, this variant has not been reported in the literature. This variant is reported in 0.00078% of alleles in individuals of European (Non-Finnish) descent in gnomAD. Nonsense variants in SP110 are expected to be pathogenic. This variant is interpreted as likely pathogenic.

Fulgent Genetics
Classification: Likely pathogenic for Hepatic veno-occlusive disease-immunodeficiency syndrome; Mycobacterium tuberculosis, susceptibility to. Last evaluated: 2024-04-04. Review status: criteria provided, single submitter. Criteria: ACMG Guidelines, 2015. Collection method: clinical testing. Allele origin: germline.

Labcorp Genetics (formerly Invitae), Labcorp
Classification: Pathogenic for Hepatic veno-occlusive disease-immunodeficiency syndrome. Last evaluated: 2023-07-16. Review status: criteria provided, single submitter. Criteria: Invitae Variant Classification Sherloc (09022015). Collection method: clinical testing. Allele origin: germline.
Comment: For these reasons, this variant has been classified as Pathogenic. Algorithms developed to predict the effect of sequence changes on RNA splicing suggest that this variant may disrupt the consensus splice site. ClinVar contains an entry for this variant (Variation ID: 1451450). This variant has not been reported in the literature in individuals affected with SP110-related conditions. This variant is present in population databases (no rsID available, gnomAD 0.0008%). This sequence change creates a premature translational stop signal (p.Arg448*) in the SP110 gene. It is expected to result in an absent or disrupted protein product. Loss-of-function variants in SP110 are known to be pathogenic (PMID: 16648851, 22621957).

Literature cited by the submitters: PubMed 16648851 (cited by Labcorp Genetics (formerly Invitae), Labcorp); PubMed 22621957 (cited by Labcorp Genetics (formerly Invitae), Labcorp).

NM_080424.4(SP110):c.1342C>T (p.Arg448Ter)

Gene: SP110 (SP110 nuclear body protein; minus strand). Cytogenetic location: 2q37.1.
Variant type: single nucleotide variant.
Coding change: c.1342C>T on transcript NM_080424.4 (MANE Select); coding-DNA position 1342, C replaced by T.
Protein change: p.Arg448Ter; replaces arginine 448 with a stop codon.
Molecular consequence: nonsense.
Genome position (GRCh38, 1-based): chr2:230,183,578, G>A on the plus strand (C>T on the coding strand, the complement: SP110 is on the minus strand). VCF-style: chr2-230183578-G-A. GRCh37 (hg19) VCF-style: chr2-231048294-G-A.
Other names: c.1342C>T (NM_004509.4, NM_004509.3); c.1360C>T, p.Arg454Ter (NM_001185015.2, NM_001378442.1, NM_001378444.1 and 2 more transcripts); c.1342C>T, p.Arg448Ter (NM_001378443.1, NM_004509.5, NM_004510.4); c.1192C>T, p.Arg398Ter (NM_001378447.1); short protein forms R398*, R448*, R454*.
Identifiers: ClinVar variation 1451450 (VCV001451450.9), dbSNP rs199844454, ClinGen allele CA66739703.